The following is an entry in ClinVar:

ClinVar aggregate classification (germline): Likely pathogenic (1 of 4 stars; one submission).

Conditions:
Autosomal recessive polycystic kidney disease (ARPKD). Also called: AR polycystic kidney disease. Identifiers: Orphanet 731, Orphanet 8378, MedGen C0085548, MeSH D017044, MONDO:0009889.

Submission:

Natera, Inc.
Classification: Likely pathogenic for Autosomal recessive polycystic kidney disease. Last evaluated: 2025-07-17. Review status: criteria provided, single submitter. Criteria: Natera Variant Classification Schema (03/2026). Collection method: clinical testing. Allele origin: germline.
Comment: The c.766C>T variant in PKHD1 is a nonsense variant predicted to introduce a stop codon at amino acid 256. This variant is expected to result in nonsense mediated decay, truncation, or a dysfunctional protein product. This variant is rare in the general population with a frequency below the threshold expected for the associated phenotype(s). Given the available evidence, this variant is classified as Likely Pathogenic.

NM_138694.4(PKHD1):c.766C>T (p.Gln256Ter)

Gene: PKHD1 (PKHD1 ciliary IPT domain containing fibrocystin/polyductin; minus strand). Cytogenetic location: 6p12.2.
Variant type: single nucleotide variant.
Coding change: c.766C>T on transcript NM_138694.4 (MANE Select); coding-DNA position 766, C replaced by T.
Protein change: p.Gln256Ter; replaces glutamine 256 with a stop codon.
Molecular consequence: nonsense.
Genome position (GRCh38, 1-based): chr6:52,069,469, G>A on the plus strand (C>T on the coding strand, the complement: PKHD1 is on the minus strand). VCF-style: chr6-52069469-G-A. GRCh37 (hg19) VCF-style: chr6-51934267-G-A.
Other names: c.766C>T, p.Gln256Ter (NM_170724.3); short protein forms Q256*.
Identifiers: ClinVar variation 4816751 (VCV004816751.1).